The following is an entry in ClinVar:

NM_007194.4(CHEK2):c.1493T>A (p.Leu498His)

Gene: CHEK2 (checkpoint kinase 2; minus strand). Cytogenetic location: 22q12.1.
Variant type: single nucleotide variant.
Coding change: c.1493T>A on transcript NM_007194.4 (MANE Select); coding-DNA position 1493, T replaced by A.
Protein change: p.Leu498His; replaces leucine 498 with histidine.
Molecular consequence: missense variant.
Genome position (GRCh38, 1-based): chr22:28,689,184, A>T on the plus strand (T>A on the coding strand, the complement: CHEK2 is on the minus strand). VCF-style: chr22-28689184-A-T. GRCh37 (hg19) VCF-style: chr22-29085172-A-T.
Other names: c.1622T>A, p.Leu541His (NM_001005735.3); c.830T>A, p.Leu277His (NM_001257387.3, NM_001437942.1); c.1292T>A, p.Leu431His (NM_001349956.3); c.1586T>A, p.Leu529His (NM_001438293.1); c.1535T>A, p.Leu512His (NM_001438294.1); c.1499T>A, p.Leu500His (NM_001438295.1); c.1406T>A, p.Leu469His (NM_145862.3); short protein forms L277H, L541H, L469H, L498H, L512H, L529H, L431H, L500H.
Identifiers: ClinVar variation 4723815 (VCV004723815.1).

ClinVar aggregate classification (germline): Uncertain significance (1 of 4 stars; one submission).

Conditions:
Familial cancer of breast. Also called: hereditary breast carcinoma; BREAST CANCER, FAMILIAL; Hereditary breast cancer. Identifiers: Orphanet 227535, MedGen C0346153, MONDO:0016419, OMIM 114480. Disease mechanism: loss of function.

Submission:

Labcorp Genetics (formerly Invitae), Labcorp
Classification: Uncertain significance for Familial cancer of breast. Last evaluated: 2025-07-23. Review status: criteria provided, single submitter. Criteria: Invitae Variant Classification Sherloc (09022015). Collection method: clinical testing. Allele origin: germline.
Comment: This sequence change replaces leucine, which is neutral and non-polar, with histidine, which is basic and polar, at codon 498 of the CHEK2 protein (p.Leu498His). This variant is not present in population databases (gnomAD no frequency). This variant has not been reported in the literature in individuals affected with CHEK2-related conditions. An algorithm developed to predict the effect of missense changes on protein structure and function (PolyPhen-2) suggests that this variant is likely to be disruptive. In summary, the available evidence is currently insufficient to determine the role of this variant in disease. Therefore, it has been classified as a Variant of Uncertain Significance.